The following is an entry in ClinVar:

NM_002250.3(KCNN4):c.348del (p.Leu117fs)

Gene: KCNN4 (potassium calcium-activated channel subfamily N member 4; minus strand). Cytogenetic location: 19q13.31.
Variant type: Deletion.
Coding change: c.348del on transcript NM_002250.3 (MANE Select); coding-DNA position 348, one base deleted (G; older notation c.348delG).
Protein change: p.Leu117fs; shifts the reading frame from leucine 117.
Molecular consequence: frameshift variant.
Genome position (GRCh38, 1-based): chr19:43,774,527, C deleted on the plus strand (G on the coding strand, the reverse complement: KCNN4 is on the minus strand); the first of 3 consecutive C bases (chr19:43,774,527-43,774,529); deleting any one gives the same sequence. VCF-style (leftmost placement, unchanged base first): chr19-43774526-GC-G. GRCh37 (hg19) VCF-style: chr19-44278678-GC-G.
Other names: short protein forms L117fs.
Identifiers: ClinVar variation 4978537 (VCV004978537.1).
Genomic context (GRCh38, chr19:43,774,526, plus strand): 5'-AGGTCAGCGGCGCCCCTAAATCCTGCACGCACGGCGGGCCCCGCACGGGCGCCGGGTGCA[GC>G]CCACACACCACCAGCTCCAGCACGATCTGCGCCGCCTGCCGCCCGGTCAGCGCCACGCGC-3'

ClinVar aggregate classification (germline): Uncertain significance (1 of 4 stars; one submission).

Conditions:
KCNN4-related disorder. Also called: KCNN4-related condition.

Submission:

PreventionGenetics, part of Exact Sciences
Classification: Uncertain significance for KCNN4-related condition. Last evaluated: 2026-08-14. Review status: criteria provided, single submitter. Criteria: ACMG Guidelines, 2015. Collection method: clinical testing. Allele origin: germline.
Comment: The KCNN4 c.348delG variant is predicted to result in a frameshift and premature protein termination (p.Gly116Glyfs*16). To our knowledge, this variant has not been reported in the literature or in a large population database (gnomAD), indicating this variant is rare. At this time, the clinical significance of this variant is uncertain due to the absence of conclusive functional and genetic evidence.